The following is an entry in ClinVar:

NM_018486.3(HDAC8):c.351G>T (p.Gly117=)

Gene: HDAC8 (histone deacetylase 8; minus strand). Cytogenetic location: Xq13.1.
Variant type: single nucleotide variant.
Coding change: c.351G>T on transcript NM_018486.3 (MANE Select); coding-DNA position 351, G replaced by T.
Protein change: p.Gly117=; no amino-acid change (glycine 117 retained).
Molecular consequence: synonymous variant. On other transcripts: intron variant (2).
Genome position (GRCh38, 1-based): chrX:72,567,975, C>A on the plus strand (G>T on the coding strand, the complement: HDAC8 is on the minus strand). VCF-style: chrX-72567975-C-A. GRCh37 (hg19) VCF-style: chrX-71787825-C-A.
Other names: c.351G>T, p.Gly117= (NM_001166419.2, NM_001166420.2, NM_001166422.2); c.164+4082G>T (NM_001166418.2, NM_001166448.2).
Identifiers: ClinVar variation 702625 (VCV000702625.13), dbSNP rs199969298, ClinGen allele CA10450294.
Genomic context (GRCh38, chrX:72,567,975, plus strand): 5'-CCAGTTAATTGCTACTTTGCACATTCCGTCAATCAGGCATTGGGCAGCTGTGATCGTAGC[C>A]CCTCCTATAGCTGCTGCATAGTCAAATATCCCTTCAGTGGCTGGGCAGTCATAACCTTAG-3'
Protein context (NP_060956.1, residues 107-127): GIFDYAAAIG[Gly117=]ATITAAQCLI

ClinVar aggregate classification (germline): Benign. Review status: criteria provided, multiple submitters, no conflicts (2 of 4 stars). 4 submissions from 4 submitters: Benign (3). 1 of the submissions does not count toward it. Last evaluated 2026-01-27.

Conditions:
HDAC8-related disorder. Also called: HDAC8-related condition.
Cornelia de Lange syndrome 5 (CDLS5). Also called: HDAC8-Related Cornelia de Lange Syndrome. Identifiers: Orphanet 199, MedGen C3550903, MONDO:0010471, OMIM 300882.
Inborn genetic diseases. Identifiers: MedGen C0950123, MeSH D030342.

Allele frequency attached by ClinVar (database versions not stated): ESP Exome Variant Server 0.00019; gnomAD 0.00040 and 0.00041; gnomAD exomes 0.00041 and 0.00069; TOPMed 0.00049; ExAC 0.00060.
gnomAD v4.1: 509 of 1,209,695 alleles (0.042%); highest among the groups gnomAD compares: Middle Eastern, 0.091%; no homozygotes.

Submissions (4):

Labcorp Genetics (formerly Invitae), Labcorp
Classification: Benign for Cornelia de Lange syndrome 5. Last evaluated: 2026-01-27. Review status: criteria provided, single submitter. Criteria: Invitae Variant Classification Sherloc (09022015). Collection method: clinical testing. Allele origin: germline.

Blueprint Genetics
Classification: Benign. Last evaluated: 2024-09-24. Review status: criteria provided, single submitter. Criteria: ACMG Guidelines, 2015. Collection method: clinical testing. Allele origin: germline.

Ambry Genetics
Classification: Benign for Inborn genetic diseases. Last evaluated: 2017-06-29. Review status: criteria provided, single submitter. Criteria: Ambry Variant Classification Scheme 2023. Collection method: clinical testing. Allele origin: germline.

PreventionGenetics, part of Exact Sciences
Classification: Likely benign for HDAC8-related condition. Last evaluated: 2024-03-27. Review status: no assertion criteria provided. Collection method: clinical testing. Allele origin: germline. Not counted in ClinVar's aggregate classification.
Comment: This variant is classified as likely benign based on ACMG/AMP sequence variant interpretation guidelines (Richards et al. 2015 PMID: 25741868, with internal and published modifications).